The following is an entry in ClinVar:

ClinVar aggregate classification (germline): Uncertain significance (1 of 4 stars; one submission).

Allele frequency attached by ClinVar (database versions not stated): TOPMed below 0.00001.

Submission:

Labcorp Genetics (formerly Invitae), Labcorp
Classification: Uncertain significance. Last evaluated: 2021-08-28. Review status: criteria provided, single submitter. Criteria: Invitae Variant Classification Sherloc (09022015). Collection method: clinical testing. Allele origin: germline.
Comment: This sequence change replaces aspartic acid with asparagine at codon 665 of the MUT protein (p.Asp665Asn). The aspartic acid residue is highly conserved and there is a small physicochemical difference between aspartic acid and asparagine. This variant is not present in population databases (ExAC no frequency). This variant has not been reported in the literature in individuals affected with MUT-related conditions. Algorithms developed to predict the effect of missense changes on protein structure and function are either unavailable or do not agree on the potential impact of this missense change (SIFT: "Deleterious"; PolyPhen-2: "Probably Damaging"; Align-GVGD: "Class C15"). In summary, the available evidence is currently insufficient to determine the role of this variant in disease. Therefore, it has been classified as a Variant of Uncertain Significance.

NM_000255.4(MMUT):c.1993G>A (p.Asp665Asn)

Gene: MMUT (methylmalonyl-CoA mutase; minus strand). Cytogenetic location: 6p12.3.
Variant type: single nucleotide variant.
Coding change: c.1993G>A on transcript NM_000255.4 (MANE Select); coding-DNA position 1993, G replaced by A.
Protein change: p.Asp665Asn; replaces aspartic acid 665 with asparagine.
Molecular consequence: missense variant.
Genome position (GRCh38, 1-based): chr6:49,435,587, C>T on the plus strand (G>A on the coding strand, the complement: MMUT is on the minus strand). VCF-style: chr6-49435587-C-T. GRCh37 (hg19) VCF-style: chr6-49403300-C-T.
Other names: short protein forms D665N.
Identifiers: ClinVar variation 860915 (VCV000860915.7), dbSNP rs1767101872, ClinGen allele CA364394582.